The following is an entry in ClinVar:

ClinVar aggregate classification (germline): Uncertain significance (1 of 4 stars; one submission).

Conditions:
Megalencephaly-polymicrogyria-postaxial polydactyly-hydrocephalus syndrome. Also called: MPPH Syndrome; MEG-PMG-MEGACC SYNDROME. Identifiers: Orphanet 83473, MedGen C1863924, MONDO:0019375.

gnomAD v4.1: 6 of 1,612,986 alleles (0.00037%); highest among the groups gnomAD compares: African/African-American, 0.0013%; no homozygotes.

Submission:

Labcorp Genetics (formerly Invitae), Labcorp
Classification: Uncertain significance for Megalencephaly-polymicrogyria-postaxial polydactyly-hydrocephalus syndrome. Last evaluated: 2024-02-16. Review status: criteria provided, single submitter. Criteria: Invitae Variant Classification Sherloc (09022015). Collection method: clinical testing. Allele origin: germline.
Comment: This sequence change replaces aspartic acid, which is acidic and polar, with asparagine, which is neutral and polar, at codon 113 of the PIK3R2 protein (p.Asp113Asn). This variant is present in population databases (rs754343201, gnomAD 0.002%). This variant has not been reported in the literature in individuals affected with PIK3R2-related conditions. Advanced modeling of protein sequence and biophysical properties (such as structural, functional, and spatial information, amino acid conservation, physicochemical variation, residue mobility, and thermodynamic stability) performed at Invitae indicates that this missense variant is not expected to disrupt PIK3R2 protein function with a negative predictive value of 95%. In summary, the available evidence is currently insufficient to determine the role of this variant in disease. Therefore, it has been classified as a Variant of Uncertain Significance.

NM_005027.4(PIK3R2):c.337G>A (p.Asp113Asn)

Gene: PIK3R2 (phosphoinositide-3-kinase regulatory subunit 2; plus strand). Cytogenetic location: 19p13.11.
Variant type: single nucleotide variant.
Coding change: c.337G>A on transcript NM_005027.4 (MANE Select); coding-DNA position 337, G replaced by A.
Protein change: p.Asp113Asn; replaces aspartic acid 113 with asparagine.
Molecular consequence: missense variant. On other transcripts: non-coding transcript variant (2).
Genome position (GRCh38, 1-based): chr19:18,160,485, G>A. VCF-style: chr19-18160485-G-A. GRCh37 (hg19) VCF-style: chr19-18271295-G-A.
Other names: short protein forms D113N.
Identifiers: ClinVar variation 3677539 (VCV003677539.2).